The following is an entry in ClinVar:

NM_001378454.1(ALMS1):c.647-3C>T

Gene: ALMS1 (ALMS1 centrosome and basal body associated protein; plus strand). Cytogenetic location: 2p13.1.
Variant type: single nucleotide variant.
Coding change: c.647-3C>T on transcript NM_001378454.1 (MANE Select); 3 bases into the intron before coding-DNA position 647, C replaced by T.
Molecular consequence: intron variant.
Genome position (GRCh38, 1-based): chr2:73,422,854, C>T. VCF-style: chr2-73422854-C-T. GRCh37 (hg19) VCF-style: chr2-73649982-C-T.
Other names: c.647-3C>T (NM_015120.4).
Identifiers: ClinVar variation 1514761 (VCV001514761.6), dbSNP rs1671310064, ClinGen allele CA2573135746.
Genomic context (GRCh38, chr2:73,422,854, plus strand): 5'-ATATACGTAAGTAAATAATCAATTTTCAGCATTACCCAGCATTTAATATTTGAAACTTTA[C>T]AGTCATACAAGATAGCTTTGCTTCTCCTGATTTGCCTTTGCTGACCTGTTTGACACAAGA-3'

ClinVar aggregate classification (germline): Uncertain significance (1 of 4 stars; one submission).

Conditions:
Alstrom syndrome (ALMS). Identifiers: Orphanet 64, MedGen C0268425, MONDO:0008763, OMIM 203800.

Allele frequency attached by ClinVar (database versions not stated): gnomAD exomes below 0.00001.
gnomAD v4.1: 2 of 1,605,560 alleles (0.00012%); highest among the groups gnomAD compares: South Asian, 0.0011%; no homozygotes.

Submission:

Labcorp Genetics (formerly Invitae), Labcorp
Classification: Uncertain significance for Alstrom syndrome. Last evaluated: 2025-03-17. Review status: criteria provided, single submitter. Criteria: Invitae Variant Classification Sherloc (09022015). Collection method: clinical testing. Allele origin: germline.
Comment: This sequence change falls in intron 3 of the ALMS1 gene. It does not directly change the encoded amino acid sequence of the ALMS1 protein. It affects a nucleotide within the consensus splice site. This variant is not present in population databases (gnomAD no frequency). This variant has not been reported in the literature in individuals affected with ALMS1-related conditions. ClinVar contains an entry for this variant (Variation ID: 1514761). Variants that disrupt the consensus splice site are a relatively common cause of aberrant splicing (PMID: 17576681, 9536098). Algorithms developed to predict the effect of sequence changes on RNA splicing suggest that this variant may disrupt the consensus splice site. In summary, the available evidence is currently insufficient to determine the role of this variant in disease. Therefore, it has been classified as a Variant of Uncertain Significance.

Literature cited by the submitters: PubMed 17576681; PubMed 9536098.